The following is an entry in ClinVar:

NM_001035.3(RYR2):c.1170+19dup

Gene: RYR2 (ryanodine receptor 2; plus strand). Cytogenetic location: 1q43.
Variant type: Duplication.
Coding change: c.1170+19dup on transcript NM_001035.3 (MANE Select); 19 bases into the intron after coding-DNA position 1170, one base duplicated (A; older notation c.1170+19dupA).
Molecular consequence: intron variant.
Genome position (GRCh38, 1-based): chr1:237,441,502, A duplicated; the last of 7 consecutive A bases (chr1:237,441,496-237,441,502); duplicating any one gives the same sequence. VCF-style (leftmost placement, unchanged base first): chr1-237441495-G-GA. GRCh37 (hg19) VCF-style: chr1-237604795-G-GA.
Other names: c.1170+19dupA (NM_001035.3).
Identifiers: ClinVar variation 1546617 (VCV001546617.11), dbSNP rs1167148257, ClinGen allele CA529912677.
Genomic context (GRCh38, chr1:237,441,495, plus strand): 5'-CCAGTCTGTGGACGTGAAATCCGTGAGAATGGGATCTATACAACGTAAGGTAAGGTGATA[G>GA]AAAAAAACATAATTTATAGAAGTAATTTTTTATGAATACACAAGCACAAGTCAAAAATAA-3'

ClinVar aggregate classification (germline): Benign/Likely benign. Review status: criteria provided, multiple submitters, no conflicts (2 of 4 stars). 3 submissions from 3 submitters: Benign (1); Likely benign (2). Last evaluated 2025-09-15.

Conditions:
Catecholaminergic polymorphic ventricular tachycardia 1. Also called: VENTRICULAR TACHYCARDIA, STRESS-INDUCED POLYMORPHIC 1; RYR2-Related Catecholaminergic Polymorphic Ventricular Tachycardia; VENTRICULAR TACHYCARDIA, CATECHOLAMINERGIC POLYMORPHIC, 1, WITH OR WITHOUT ATRIAL DYSFUNCTION AND/OR DILATED CARDIOMYOPATHY. Identifiers: Orphanet 3286, MedGen C1631597, MONDO:0011484, OMIM 604772.

Submissions (3):

Women's Health and Genetics/Laboratory Corporation of America, LabCorp
Classification: Likely benign. Last evaluated: 2025-09-15. Review status: criteria provided, single submitter. Criteria: LabCorp Variant Classification Summary - May 2015. Collection method: clinical testing. Allele origin: germline.
Comment: Variant summary: RYR2 c.1170+19dupA alters a nucleotide located at a position not widely known to affect splicing. Consensus agreement among computation tools predict no significant impact on normal splicing. However, these predictions have yet to be confirmed by functional studies. The variant allele was found at a frequency of 1.7e-05 in 179922 control chromosomes. The available data on variant occurrences in the general population are insufficient to allow any conclusion about variant significance. To our knowledge, no occurrence of c.1170+19dupA in individuals affected with RYR2-related conditions and no experimental evidence demonstrating its impact on protein function have been reported. ClinVar contains an entry for this variant (Variation ID: 1546617). Based on the evidence outlined above, the variant was classified as likely benign.

Labcorp Genetics (formerly Invitae), Labcorp
Classification: Benign for Catecholaminergic polymorphic ventricular tachycardia 1. Last evaluated: 2025-09-10. Review status: criteria provided, single submitter. Criteria: Invitae Variant Classification Sherloc (09022015). Collection method: clinical testing. Allele origin: germline.

Blueprint Genetics
Classification: Likely benign. Last evaluated: 2022-07-26. Review status: criteria provided, single submitter. Criteria: ACMG Guidelines, 2015. Collection method: clinical testing. Allele origin: germline.